The following is an entry in ClinVar:

ClinVar aggregate classification (germline): Pathogenic/Likely pathogenic. Review status: criteria provided, multiple submitters, no conflicts (2 of 4 stars). 19 submissions from 19 submitters: Pathogenic (16); Likely pathogenic (2). 1 of the submissions does not count toward it. Last evaluated 2025-12-01.

Conditions:
UBTF-related disorder. Also called: UBTF-related condition.
Rare syndromic intellectual disability. Identifiers: Orphanet 102369, MedGen C5681780.
Childhood-onset motor and cognitive regression syndrome with extrapyramidal movement disorder. Also called: NEURODEGENERATION, CHILDHOOD-ONSET, WITH BRAIN ATROPHY. Identifiers: Orphanet 500180, MedGen C4540086, MONDO:0044701, OMIM 617672.
Infantile or childhood onset neurodegenerative disease, global developmental delay, and intellectual disability.
UBTF E210K Neuroregression Syndrome.
Inborn genetic diseases. Identifiers: MedGen C0950123, MeSH D030342.

Submissions 1 to 10 of 19:

3billion
Classification: Pathogenic for Childhood-onset motor and cognitive regression syndrome with extrapyramidal movement disorder. Last evaluated: 2025-12-01. Review status: criteria provided, single submitter. Criteria: ACMG Guidelines, 2015. Collection method: clinical testing. Allele origin: germline. Affected: yes.
Comment: The variant is not observed in the gnomAD v4.1.0 dataset. Predicted Consequence/Location: Missense variant In silico tool predictions suggest damaging effect of the variant on gene or gene product [REVEL: 0.68 (>=0.6, sensitivity 0.68 and specificity 0.92)]. The same nucleotide change resulting in the same amino acid change has been previously reported as pathogenic/likely pathogenic with strong evidence (ClinVar ID: VCV000437909 /PMID: 28777933 /3billion dataset). The variant has been previously reported as de novo in a similarly affected individual (PMID: 28777933 /3billion dataset). Therefore, this variant is classified as Pathogenic according to the recommendation of ACMG/AMP guideline.

Revvity Omics, Revvity
Classification: Pathogenic for Childhood-onset motor and cognitive regression syndrome with extrapyramidal movement disorder. Last evaluated: 2023-06-26. Review status: criteria provided, single submitter. Criteria: ACMG Guidelines, 2015. Collection method: clinical testing. Allele origin: germline.

GeneDx
Classification: Pathogenic. Last evaluated: 2023-06-08. Review status: criteria provided, single submitter. Criteria: GeneDx Variant Classification Process June 2021. Collection method: clinical testing. Allele origin: germline. Affected: yes.
Comment: Not observed in large population cohorts (gnomAD); In silico analysis supports that this missense variant does not alter protein structure/function; This variant is associated with the following publications: (PMID: 23020937, 29300972, 28777933, 30517966, 31931739, 28191890, 29447355, 33084218, 33026538, 33726816, 31785789, 33101984)

Laboratorio de Genetica e Diagnostico Molecular, Hospital Israelita Albert Einstein
Classification: Pathogenic for Childhood-onset motor and cognitive regression syndrome with extrapyramidal movement disorder. Last evaluated: 2022-11-18. Review status: criteria provided, single submitter. Criteria: ACMG Guidelines, 2015. Collection method: clinical testing. Allele origin: germline. Affected: yes. Observed: 1 variant allele.
Comment: ACMG classification criteria: PS3 supporting, PS4 strong, PM2 moderated, PM6 very strong

Victorian Clinical Genetics Services, Murdoch Childrens Research Institute
Classification: Pathogenic for Childhood-onset motor and cognitive regression syndrome with extrapyramidal movement disorder. Last evaluated: 2022-09-02. Review status: criteria provided, single submitter. Criteria: ACMG Guidelines, 2015. Collection method: clinical testing. Allele origin: germline. Inheritance: Autosomal dominant inheritance. Affected: yes.
Comment: Based on the classification scheme VCGS_Germline_v1.3.4, this variant is classified as Pathogenic. Following criteria are met: 0101 - Gain of function is a known mechanism of disease in this gene and is associated with neurodegeneration, childhood-onset, with brain atrophy (MIM# 617672). (I) 0107 - This gene is associated with autosomal dominant disease. (I) 0200 - Variant is predicted to result in a missense amino acid change from glutamic acid to lysine. (I) 0251 - This variant is heterozygous. (I) 0301 - Variant is absent from gnomAD (both v2 and v3). (SP) 0502 - Missense variant with conflicting in silico predictions and uninformative conservation. (I) 0801 - This variant has very strong previous evidence of pathogenicity in unrelated individuals. This variant has been classified as pathogenic by multiple clinical laboratories in ClinVar and identified as a recurrent de novo variant in greater than ten individuals in the literature (PMID: 29300972, PMID: 28777933). (SP) 1002 - This variant has moderate functional evidence supporting abnormal protein function. Patient fibroblasts showed increased expression of pre-rRNA and 18S rRNA, as well as nucleolar abnormalities (PMID: 29300972). (SP) Legend: (SP) - Supporting pathogenic, (I) - Information, (SB) - Supporting benign

Genetics Laboratory, UDIAT-Centre Diagnòstic, Hospital Universitari Parc Tauli
Classification: Pathogenic. Last evaluated: 2021-04-26. Review status: criteria provided, single submitter. Criteria: Parc Tauli Hospital Assertion Criteria 2021. Collection method: clinical testing. Allele origin: de novo. Inheritance: Autosomal dominant inheritance. Affected: yes. Observed: 1 heterozygote.
Comment: PP5_very strong;PM1_moderate;PM2_supporting;PM6_moderate;PP2_supporting;PP3_supporting

Centre for Inherited Metabolic Diseases, Karolinska University Hospital
Classification: Pathogenic for Childhood-onset motor and cognitive regression syndrome with extrapyramidal movement disorder. Last evaluated: 2021-04-13. Review status: criteria provided, single submitter. Criteria: ACMG Guidelines, 2015. Collection method: clinical testing. Allele origin: de novo. Inheritance: Autosomal dominant inheritance. Affected: yes. Observed: 1 heterozygote.

Illumina Laboratory Services, Illumina
Classification: Pathogenic for Childhood-onset motor and cognitive regression syndrome with extrapyramidal movement disorder. Last evaluated: 2020-11-16. Review status: criteria provided, single submitter. Criteria: ICSLVariantClassificationCriteria RUGD 01 April 2020. Collection method: clinical testing. Allele origin: unknown.
Comment: The UBTF c.628G>A (p.Glu210Lys) variant is a missense variant that has been reported in 14 unrelated individuals with childhood-onset neurodegeneration (Edvardson et al. 2017; Toro et al. 2018; SedlÃ¡ÄkovÃ¡ et al. 2019; Ikeda et al. 2020; Bastos et al. 2020). In all cases, the variant occurred de novo. The p.Glu210Lys variant is absent from the Genome Aggregation Database in a region of good sequencing coverage, indicating it is rare. Studies of patient fibroblasts have suggested a gain-of-function effect of the variant, demonstrating increased expression of pre-rRNA and 18S rRNA, altered expression levels of downstream gene targets, increased double-strand DNA breaks, disrupted cell cycle progression and increased apoptosis, and at least a trend toward fewer nucleoli (Edvardson et al. 2017, Toro et al. 2018). Expression of the variant in Drosophila also resulted in embryonic lethality (Toro et al. 2018). Based on the collective evidence, the p.Glu210Lys variant is classified as pathogenic for childhood-onset neurodegeneration with brain atrophy.

Broad Center for Mendelian Genomics, Broad Institute of MIT and Harvard
Classification: Pathogenic for Childhood-onset motor and cognitive regression syndrome with extrapyramidal movement disorder. Last evaluated: 2020-05-27. Review status: criteria provided, single submitter. Criteria: ACMG Guidelines, 2015. Collection method: research. Allele origin: germline. Inheritance: Autosomal dominant inheritance.
Comment: The heterozygous p.Glu210Lys variant in UBTF was identified by our study in 2 unrelated individuals with childhood-onset motor and cognitive regression syndrome with extrapyramidal movement disorder. Trio exome or genome analysis showed this variant to be de novo. This variant was found to be de novo in an additional individual with confirmed paternity and maternity and neurodegeneration in childhood (PMID: 30517966). This variant is assumed de novo in at least 11 additional individuals, 10 with neurodegeneration in childhood and 1 with either intellectual disability or developmental delay, but maternity and paternity have not been confirmed (PMID: 28191890, 29300972, 28777933). This variant was absent from large population studies. Additionally, this variant has also been reported as pathogenic and likely pathogenic by multiple submitters in ClinVar (Variation ID: 437909). Animal models in drosophilia and mice have shown that this variant may cause childhood-onset motor and cognitive regression syndrome with extrapyramidal movement disorder (PMID: 29300972). Furthermore, in vitro functional studies provide some evidence that the p.Glu210Lys variant may impact protein function (PMID: 28777933, 29300972). However, these types of assays may not accurately represent biological function. In summary, this variant meets criteria to be classified as pathogenic for childhood-onset motor and cognitive regression syndrome with extrapyramidal movement disorder in an autosomal dominant manner based on multiple de novo reports in affected individuals and functional studies. ACMG/AMP Criteria applied: PM6_Strong, PS2, PM2, PS3_Moderate, PS4_moderate (Richards 2015).

Genomic Research Center, Shahid Beheshti University of Medical Sciences
Classification: Pathogenic for Childhood-onset motor and cognitive regression syndrome with extrapyramidal movement disorder. Last evaluated: 2020-05-03. Review status: criteria provided, single submitter. Criteria: ACMG Guidelines, 2015. Collection method: clinical testing. Allele origin: unknown. Affected: yes.

NM_014233.4(UBTF):c.628G>A (p.Glu210Lys)

Genes: ATXN7L3-AS1 (ATXN7L3 antisense RNA 1; plus strand), UBTF (upstream binding transcription factor; minus strand). Cytogenetic location: 17q21.31.
Variant type: single nucleotide variant.
Coding change: c.628G>A on transcript NM_014233.4 (MANE Select); coding-DNA position 628, G replaced by A.
Protein change: p.Glu210Lys; replaces glutamic acid 210 with lysine.
Molecular consequence: missense variant. On other transcripts: non-coding transcript variant (1).
Genome position (GRCh38, 1-based): chr17:44,212,851, C>T on the plus strand (G>A on the coding strand, the complement: UBTF is on the minus strand). VCF-style: chr17-44212851-C-T. GRCh37 (hg19) VCF-style: chr17-42290219-C-T.
Other names: NM_001076683.1:c.628G>A(p.Glu210Lys); NM_001076684.2:c.628G>A(p.Glu210Lys); NM_014233.3:c.628G>A(p.Glu210Lys); c.628G>A, p.Glu210Lys (NM_001076683.2, NM_001076684.3); short protein forms E210K.
Identifiers: ClinVar variation 437909 (VCV000437909.37), dbSNP rs1555582065, ClinGen allele CA399765298.